The following is an entry in ClinVar:

ClinVar aggregate classification (germline): Likely benign. Review status: criteria provided, multiple submitters, no conflicts (2 of 4 stars). 3 submissions from 3 submitters: Likely benign (3). Last evaluated 2025-05-07.

Conditions:
Hereditary cancer-predisposing syndrome. Also called: Tumor predisposition; Neoplastic Syndromes, Hereditary; Hereditary Cancer Syndrome; Hereditary neoplastic syndrome. Identifiers: Orphanet 140162, MedGen C0027672, MeSH D009386, MONDO:0015356.
Tuberous sclerosis syndrome (TSC). Also called: Tuberous Sclerosis Complex; Tuberous sclerosis. Identifiers: Orphanet 805, MedGen C0041341, MONDO:0001734.
Tuberous sclerosis 1 (TSC1). Identifiers: Orphanet 805, MedGen C1854465, MONDO:0008612, OMIM 191100.

Allele frequency attached by ClinVar (database versions not stated): gnomAD exomes below 0.00001.
gnomAD v4.1: 3 of 1,613,824 alleles (0.00019%); highest among the groups gnomAD compares: South Asian, 0.0022%; no homozygotes.

Submissions (3):

Labcorp Genetics (formerly Invitae), Labcorp
Classification: Likely benign for Tuberous sclerosis 1. Last evaluated: 2025-05-07. Review status: criteria provided, single submitter. Criteria: Invitae Variant Classification Sherloc (09022015). Collection method: clinical testing. Allele origin: germline.

All of Us Research Program, National Institutes of Health
Classification: Likely benign for Tuberous sclerosis syndrome. Last evaluated: 2023-08-28. Review status: criteria provided, single submitter. Criteria: ACMG Guidelines, 2015. Collection method: clinical testing. Allele origin: germline. Inheritance: Autosomal dominant inheritance. Observed: 1 variant allele, 1 heterozygote.
Comment: This study involves interpretation of variants in research participants for the purpose of population health screening. Participant phenotype was not available at the time of variant classification. Additional details can be found in publication PMID: 35346344, PMCID: PMC8962531

Ambry Genetics
Classification: Likely benign for Hereditary cancer-predisposing syndrome. Last evaluated: 2021-01-19. Review status: criteria provided, single submitter. Criteria: Ambry Variant Classification Scheme 2023. Collection method: clinical testing. Allele origin: germline.

NM_000368.5(TSC1):c.978A>G (p.Leu326=)

Gene: TSC1 (TSC complex subunit 1; minus strand). Cytogenetic location: 9q34.13.
Variant type: single nucleotide variant.
Coding change: c.978A>G on transcript NM_000368.5 (MANE Select); coding-DNA position 978, A replaced by G.
Protein change: p.Leu326=; no amino-acid change (leucine 326 retained).
Molecular consequence: synonymous variant.
Genome position (GRCh38, 1-based): chr9:132,911,504, T>C on the plus strand (A>G on the coding strand, the complement: TSC1 is on the minus strand). VCF-style: chr9-132911504-T-C. GRCh37 (hg19) VCF-style: chr9-135786891-T-C.
Other names: c.978A>G, p.Leu326= (NM_001162426.2); c.825A>G, p.Leu275= (NM_001162427.2); c.615A>G, p.Leu205= (NM_001362177.2).
Identifiers: ClinVar variation 416687 (VCV000416687.14), dbSNP rs1060504862, ClinGen allele CA16612776.
Genomic context (GRCh38, chr9:132,911,504, plus strand): 5'-ACACCATACTTGTGGTGGTTCAGTTATCAGCCGTGTCGATGGGGAACTCAGAGTCTGAGG[T>C]AGCTGCCCTGGCATATTTAACAACATCAGCCGAGACGTGGAGTAAGGGGTAGAAGTAGCA-3'
Protein context (NP_000359.1, residues 316-336): RLMLLNMPGQ[Leu326=]PQTLSSPSTR